The following is an entry in ClinVar:

NC_000007.13:g.(?_95606804)_(95838309_?)del

Genes: DYNC1I1 (dynein cytoplasmic 1 intermediate chain 1; plus strand), SLC25A13 (solute carrier family 25 member 13; minus strand). Cytogenetic location: 7q21.3.
Variant type: Deletion.
Identifiers: ClinVar variation 3245881 (VCV003245881.1).

ClinVar aggregate classification (germline): Uncertain significance (1 of 4 stars; one submission).

Submission:

Labcorp Genetics (formerly Invitae), Labcorp
Classification: Uncertain significance. Last evaluated: 2023-03-24. Review status: criteria provided, single submitter. Criteria: Invitae Variant Classification Sherloc (09022015). Collection method: clinical testing. Allele origin: unknown.
Comment: In summary, the available evidence is currently insufficient to determine the role of this variant in disease. Therefore, it has been classified as a Variant of Uncertain Significance. A similar copy number variant has been observed in individual(s) with bilateral ectrodactyly of hands and feet (Invitae). This variant is a gross deletion of the genomic region encompassing exon(s) 7-17 of the DYNC1I1 gene, which includes the termination codon. This deletion extends beyond the assayed region for this gene and therefore may encompass additional genes. While this deletion is not anticipated to lead to nonsense mediated decay, it is expected to alter mRNA translation or result in a truncated protein product.